The following is an entry in ClinVar:

NM_000548.5(TSC2):c.314T>G (p.Leu105Arg)

Gene: TSC2 (TSC complex subunit 2; plus strand). Cytogenetic location: 16p13.3.
Variant type: single nucleotide variant.
Coding change: c.314T>G on transcript NM_000548.5 (MANE Select); coding-DNA position 314, T replaced by G.
Protein change: p.Leu105Arg; replaces leucine 105 with arginine.
Molecular consequence: missense variant. On other transcripts: 5 prime UTR variant (14), non-coding transcript variant (5), intron variant (9).
Genome position (GRCh38, 1-based): chr16:2,053,430, T>G. VCF-style: chr16-2053430-T-G. GRCh37 (hg19) VCF-style: chr16-2103431-T-G.
Other names: c.-1118T>G (NM_001406691.1, NM_001406692.1, NM_001406697.1 and 2 more transcripts); c.-1424T>G (NM_001406693.1); c.-999T>G (NM_001406694.1, NM_001406695.1); c.-1106T>G (NM_001406696.1); c.-1294T>G (NM_001406698.1); c.314T>G, p.Leu105Arg (NM_021055.3, NM_001077183.3, NM_001114382.3 and 10 more transcripts); c.226-866T>G (NM_001406670.1, NM_001318827.2, NM_001406678.1); c.-1-2766T>G (NM_001406682.1, NM_001406684.1, NM_001406685.1 and 3 more transcripts); and 4 more; short protein forms L105R, L116R, L56R.
Identifiers: ClinVar variation 5018239 (VCV005018239.1).

ClinVar aggregate classification (germline): Uncertain significance (1 of 4 stars; one submission).

Submission:

GeneDx
Classification: Uncertain significance. Last evaluated: 2026-04-06. Review status: criteria provided, single submitter. Criteria: GeneDx Variant Classification Process June 2021. Collection method: clinical testing. Allele origin: germline.
Comment: Not observed at significant frequency in large population cohorts (gnomAD); In silico analysis supports that this missense variant has a deleterious effect on protein structure/function; Has not been previously published as pathogenic or benign to our knowledge; This variant is associated with the following publications: (PMID: 18466115)